The following is an entry in ClinVar:

NM_020928.2(ZSWIM6):c.151GCG[3] (p.Ala54_Ala56del)

Gene: ZSWIM6 (zinc finger SWIM-type containing 6; plus strand). Cytogenetic location: 5q12.1.
Variant type: Microsatellite.
Coding change: c.151GCG[3] on transcript NM_020928.2 (MANE Select); three copies in a row of the 3-base unit GCG starting at c.151; the reference has six copies in a row; three copies, 9 bases deleted.
Protein change: p.Ala54_Ala56del.
Molecular consequence: inframe deletion.
Genome position (GRCh38, 1-based): chr5:61,332,432-61,332,440, GCGGCGGCG deleted; deleting any 9 consecutive bases within chr5:61,332,423-61,332,440 gives the same sequence; the position shown is the placement nearest the transcript's 3' end. VCF-style (leftmost placement, unchanged base first): chr5-61332422-CGCGGCGGCG-C. GRCh37 (hg19) VCF-style: chr5-60628249-CGCGGCGGCG-C.
Identifiers: ClinVar variation 1629570 (VCV001629570.13), dbSNP rs779283808, ClinGen allele CA444673762.

ClinVar aggregate classification (germline): Likely benign. Review status: criteria provided, multiple submitters, no conflicts (2 of 4 stars). 3 submissions from 3 submitters: Likely benign (3). Last evaluated 2026-01-04.

Submissions (3):

Labcorp Genetics (formerly Invitae), Labcorp
Classification: Likely benign. Last evaluated: 2026-01-04. Review status: criteria provided, single submitter. Criteria: Invitae Variant Classification Sherloc (09022015). Collection method: clinical testing. Allele origin: germline.

CeGaT Center for Human Genetics Tuebingen
Classification: Likely benign. Last evaluated: 2026-01-01. Review status: criteria provided, single submitter. Criteria: CeGaT Center For Human Genetics Tuebingen Variant Classification Criteria Version 2. Collection method: clinical testing. Allele origin: germline. Affected: yes. Observed: 1 variant allele.
Comment: ZSWIM6: BS1

Blueprint Genetics
Classification: Likely benign. Last evaluated: 2024-08-13. Review status: criteria provided, single submitter. Criteria: ACMG Guidelines, 2015. Collection method: clinical testing. Allele origin: germline.